The following is an entry in ClinVar:

ClinVar aggregate classification (germline): Uncertain significance. Review status: criteria provided, multiple submitters, no conflicts (2 of 4 stars). 4 submissions from 4 submitters: Uncertain significance (4). Last evaluated 2025-03-12.

Conditions:
Anemia, congenital dyserythropoietic, type 1a (CDAN1A). Also called: DYSERYTHROPOIETIC ANEMIA, CONGENITAL, TYPE Ia; CDAN1-Related Congenital Dyserythropoietic Anemia. Identifiers: MedGen C5574667, MONDO:0009135, OMIM 224120.

Allele frequency attached by ClinVar (database versions not stated): TOPMed 0.00004; gnomAD 0.00003.
gnomAD v4.1: 75 of 1,598,974 alleles (0.0047%); highest among the groups gnomAD compares: Non-Finnish European, 0.0062%; no homozygotes.

Submissions (4):

Women's Health and Genetics/Laboratory Corporation of America, LabCorp
Classification: Uncertain significance. Last evaluated: 2025-03-12. Review status: criteria provided, single submitter. Criteria: LabCorp Variant Classification Summary - May 2015. Collection method: clinical testing. Allele origin: germline.
Comment: Variant summary: CDAN1 c.3128A>T (p.Asp1043Val), also reported as A3242T Asp1042Val, results in a non-conservative amino acid change in the encoded protein sequence. Five of five in-silico tools predict a damaging effect of the variant on protein function. The variant allele was found at a frequency of 1.3e-05 in 222378 control chromosomes. c.3128A>T has been reported in the compound heterozygous state in the literature in at least 2 individuals affected with Congenital dyserythropoietic anemia, type I (example, Dgany_2002, Heimpel_2006, Olijnik_2021). These data indicate that the variant may be associated with disease. To our knowledge, no experimental evidence demonstrating an impact on protein function has been reported. The following publications have been ascertained in the context of this evaluation (PMID: 12434312, 16141353, 32518175). ClinVar contains an entry for this variant (Variation ID: 21750). Based on the evidence outlined above, the variant was classified as VUS-possibly pathogenic.

Revvity Omics, Revvity
Classification: Uncertain significance for Anemia, congenital dyserythropoietic, type 1a. Last evaluated: 2024-03-05. Review status: criteria provided, single submitter. Criteria: ACMG Guidelines, 2015. Collection method: clinical testing. Allele origin: germline.

Labcorp Genetics (formerly Invitae), Labcorp
Classification: Uncertain significance. Last evaluated: 2022-03-13. Review status: criteria provided, single submitter. Criteria: Invitae Variant Classification Sherloc (09022015). Collection method: clinical testing. Allele origin: germline.
Comment: In summary, the available evidence is currently insufficient to determine the role of this variant in disease. Therefore, it has been classified as a Variant of Uncertain Significance. Algorithms developed to predict the effect of missense changes on protein structure and function are either unavailable or do not agree on the potential impact of this missense change (SIFT: "Deleterious"; PolyPhen-2: "Probably Damaging"; Align-GVGD: "Class C0"). ClinVar contains an entry for this variant (Variation ID: 21750). This missense change has been observed in individual(s) with congenital dyserythropoietic anemia (PMID: 12434312, 32518175). In at least one individual the data is consistent with being in trans (on the opposite chromosome) from a pathogenic variant. This variant is present in population databases (rs80338698, gnomAD 0.003%). This sequence change replaces aspartic acid, which is acidic and polar, with valine, which is neutral and non-polar, at codon 1043 of the CDAN1 protein (p.Asp1043Val).

Mayo Clinic Laboratories, Mayo Clinic
Classification: Uncertain significance. Last evaluated: 2021-06-29. Review status: criteria provided, single submitter. Criteria: ACMG Guidelines, 2015. Collection method: clinical testing. Allele origin: germline.

Literature cited by the submitters: PubMed 12434312 (cited by Women's Health and Genetics/Laboratory Corporation of America, LabCorp and Labcorp Genetics (formerly Invitae), Labcorp); PubMed 16141353 (cited by Women's Health and Genetics/Laboratory Corporation of America, LabCorp); PubMed 32518175 (cited by Women's Health and Genetics/Laboratory Corporation of America, LabCorp and Labcorp Genetics (formerly Invitae), Labcorp).

NM_138477.4(CDAN1):c.3128A>T (p.Asp1043Val)

Gene: CDAN1 (codanin 1; minus strand). Cytogenetic location: 15q15.2.
Variant type: single nucleotide variant.
Coding change: c.3128A>T on transcript NM_138477.4 (MANE Select); coding-DNA position 3128, A replaced by T.
Protein change: p.Asp1043Val; replaces aspartic acid 1043 with valine.
Molecular consequence: missense variant.
Genome position (GRCh38, 1-based): chr15:42,726,386, T>A on the plus strand (A>T on the coding strand, the complement: CDAN1 is on the minus strand). VCF-style: chr15-42726386-T-A. GRCh37 (hg19) VCF-style: chr15-43018584-T-A.
Other names: c.3128A>T, p.Asp1043Val (LRG_1164t1); short protein forms D1043V.
Identifiers: ClinVar variation 21750 (VCV000021750.16), dbSNP rs80338698, ClinGen allele CA342452.